The following is an entry in ClinVar:

NM_004177.5(STX3):c.47A>G (p.Asp16Gly)

Gene: STX3 (syntaxin 3; plus strand). Cytogenetic location: 11q12.1.
Variant type: single nucleotide variant.
Coding change: c.47A>G on transcript NM_004177.5 (MANE Select); coding-DNA position 47, A replaced by G.
Protein change: p.Asp16Gly; replaces aspartic acid 16 with glycine.
Molecular consequence: missense variant.
Genome position (GRCh38, 1-based): chr11:59,773,227, A>G. VCF-style: chr11-59773227-A-G. GRCh37 (hg19) VCF-style: chr11-59540700-A-G.
Other names: c.47A>G, p.Asp16Gly (NM_001178040.3); short protein forms D16G.
Identifiers: ClinVar variation 1350844 (VCV001350844.6), dbSNP rs2134926045, ClinGen allele CA380800716.

ClinVar aggregate classification (germline): Uncertain significance (1 of 4 stars; one submission).

Submission:

Labcorp Genetics (formerly Invitae), Labcorp
Classification: Uncertain significance. Last evaluated: 2022-03-02. Review status: criteria provided, single submitter. Criteria: Invitae Variant Classification Sherloc (09022015). Collection method: clinical testing. Allele origin: germline.
Comment: This sequence change replaces aspartic acid, which is acidic and polar, with glycine, which is neutral and non-polar, at codon 16 of the STX3 protein (p.Asp16Gly). This variant is not present in population databases (gnomAD no frequency). This variant has not been reported in the literature in individuals affected with STX3-related conditions. Algorithms developed to predict the effect of missense changes on protein structure and function are either unavailable or do not agree on the potential impact of this missense change (SIFT: "Deleterious"; PolyPhen-2: "Probably Damaging"; Align-GVGD: "Class C0"). Algorithms developed to predict the effect of sequence changes on RNA splicing suggest that this variant may create or strengthen a splice site. In summary, the available evidence is currently insufficient to determine the role of this variant in disease. Therefore, it has been classified as a Variant of Uncertain Significance.